The following is an entry in ClinVar:

NM_001112741.2(KCNC1):c.679G>A (p.Val227Ile)

Gene: KCNC1 (potassium voltage-gated channel subfamily C member 1; plus strand). Cytogenetic location: 11p15.1.
Variant type: single nucleotide variant.
Coding change: c.679G>A on transcript NM_001112741.2 (MANE Select); coding-DNA position 679, G replaced by A.
Protein change: p.Val227Ile; replaces valine 227 with isoleucine.
Molecular consequence: missense variant.
Genome position (GRCh38, 1-based): chr11:17,771,773, G>A. VCF-style: chr11-17771773-G-A. GRCh37 (hg19) VCF-style: chr11-17793320-G-A.
Other names: c.679G>A, p.Val227Ile (NM_004976.4); short protein forms V227I.
Identifiers: ClinVar variation 844665 (VCV000844665.8), dbSNP rs1590106427, ClinGen allele CA379805788.
Genomic context (GRCh38, chr11:17,771,773, plus strand): 5'-TTCTGCCTGGAGACCCACGAGCGCTTCAACCCCATCGTGAACAAGACGGAGATCGAGAAC[G>A]TTCGCAATGGCACGCAAGTGCGCTACTACCGGGAGGCCGAGACGGAGGCCTTCCTTACCT-3'
Protein context (NP_001106212.1, residues 217-237): PIVNKTEIEN[Val227Ile]RNGTQVRYYR

ClinVar aggregate classification (germline): Uncertain significance (1 of 4 stars; one submission).

Conditions:
Progressive myoclonic epilepsy type 7. Identifiers: Orphanet 435438, MedGen C4015420, MONDO:0014521, OMIM 616187.

Allele frequency attached by ClinVar (database versions not stated): TOPMed below 0.00001.

Submission:

Labcorp Genetics (formerly Invitae), Labcorp
Classification: Uncertain significance for Progressive myoclonic epilepsy type 7. Last evaluated: 2024-09-06. Review status: criteria provided, single submitter. Criteria: Invitae Variant Classification Sherloc (09022015). Collection method: clinical testing. Allele origin: germline.
Comment: This sequence change replaces valine, which is neutral and non-polar, with isoleucine, which is neutral and non-polar, at codon 227 of the KCNC1 protein (p.Val227Ile). This variant is not present in population databases (gnomAD no frequency). This variant has not been reported in the literature in individuals affected with KCNC1-related conditions. ClinVar contains an entry for this variant (Variation ID: 844665). Invitae Evidence Modeling of protein sequence and biophysical properties (such as structural, functional, and spatial information, amino acid conservation, physicochemical variation, residue mobility, and thermodynamic stability) indicates that this missense variant is not expected to disrupt KCNC1 protein function with a negative predictive value of 95%. In summary, the available evidence is currently insufficient to determine the role of this variant in disease. Therefore, it has been classified as a Variant of Uncertain Significance.